The following is an entry in ClinVar:

ClinVar aggregate classification (germline): Uncertain significance (1 of 4 stars; one submission).

Conditions:
Hereditary cancer-predisposing syndrome. Also called: Neoplastic Syndromes, Hereditary; Tumor predisposition; Hereditary neoplastic syndrome; Hereditary Cancer Syndrome. Identifiers: Orphanet 140162, MedGen C0027672, MeSH D009386, MONDO:0015356.

Submission:

Labcorp Genetics (formerly Invitae), Labcorp
Classification: Uncertain significance for Hereditary cancer-predisposing syndrome. Last evaluated: 2021-05-05. Review status: criteria provided, single submitter. Criteria: Invitae Variant Classification Sherloc (09022015). Collection method: clinical testing. Allele origin: germline.
Comment: This sequence change replaces lysine with threonine at codon 835 of the RAD50 protein (p.Lys835Thr). The lysine residue is moderately conserved and there is a moderate physicochemical difference between lysine and threonine. This variant is not present in population databases (ExAC no frequency). This variant has not been reported in the literature in individuals with RAD50-related conditions. Algorithms developed to predict the effect of missense changes on protein structure and function (SIFT, PolyPhen-2, Align-GVGD) all suggest that this variant is likely to be tolerated, but these predictions have not been confirmed by published functional studies and their clinical significance is uncertain. In summary, the available evidence is currently insufficient to determine the role of this variant in disease. Therefore, it has been classified as a Variant of Uncertain Significance.

NM_005732.4(RAD50):c.2504A>C (p.Lys835Thr)

Gene: RAD50 (RAD50 double strand break repair protein; plus strand). Cytogenetic location: 5q31.1.
Variant type: single nucleotide variant.
Coding change: c.2504A>C on transcript NM_005732.4 (MANE Select); coding-DNA position 2504, A replaced by C.
Protein change: p.Lys835Thr; replaces lysine 835 with threonine.
Molecular consequence: missense variant.
Genome position (GRCh38, 1-based): chr5:132,604,026, A>C. VCF-style: chr5-132604026-A-C. GRCh37 (hg19) VCF-style: chr5-131939718-A-C.
Other names: short protein forms K835T.
Identifiers: ClinVar variation 1351627 (VCV001351627.8), dbSNP rs2149847320, ClinGen allele CA360955855.